The following is an entry in ClinVar:

NM_080823.4(SRMS):c.291C>T (p.Pro97=)

Gene: SRMS (src-related kinase lacking C-terminal regulatory tyrosine and N-terminal myristylation sites; minus strand). Cytogenetic location: 20q13.33.
Variant type: single nucleotide variant.
Coding change: c.291C>T on transcript NM_080823.4 (MANE Select); coding-DNA position 291, C replaced by T.
Protein change: p.Pro97=; no amino-acid change (proline 97 retained).
Molecular consequence: synonymous variant.
Genome position (GRCh38, 1-based): chr20:63,547,173, G>A on the plus strand (C>T on the coding strand, the complement: SRMS is on the minus strand). VCF-style: chr20-63547173-G-A. GRCh37 (hg19) VCF-style: chr20-62178526-G-A.
Identifiers: ClinVar variation 2652545 (VCV002652545.24), dbSNP rs367788498, ClinGen allele CA9960540.

ClinVar aggregate classification (germline): Likely benign (1 of 4 stars; one submission).

Allele frequency attached by ClinVar (database versions not stated): TOPMed 0.00001; gnomAD 0.00002; ExAC 0.00003; ESP Exome Variant Server 0.00008.

Submission:

CeGaT Center for Human Genetics Tuebingen
Classification: Likely benign. Last evaluated: 2023-03-01. Review status: criteria provided, single submitter. Criteria: CeGaT Center For Human Genetics Tuebingen Variant Classification Criteria Version 2. Collection method: clinical testing. Allele origin: germline. Affected: yes. Observed: 1 variant allele.
Comment: SRMS: BP4, BP7